The following is an entry in ClinVar:

NM_001378120.1(MBD5):c.-557+104G>A

Gene: MBD5 (methyl-CpG binding domain protein 5; plus strand). Cytogenetic location: 2q23.1.
Variant type: single nucleotide variant.
Coding change: c.-557+104G>A on transcript NM_001378120.1 (MANE Select); 104 bases into the intron after 557 bases upstream of the start codon, G replaced by A.
Molecular consequence: intron variant.
Genome position (GRCh38, 1-based): chr2:148,342,440, G>A. VCF-style: chr2-148342440-G-A. GRCh37 (hg19) VCF-style: chr2-149100009-G-A.
Other names: c.-557+104G>A (NM_018328.5).
Identifiers: ClinVar variation 1700716 (VCV001700716.2), dbSNP rs79508062, ClinGen allele CA58226088.

ClinVar aggregate classification (germline): Likely benign (1 of 4 stars; one submission).

Allele frequency attached by ClinVar (database versions not stated): 1000 Genomes Project 0.00379; 1000 Genomes Project 30x 0.00531; gnomAD 0.00532 and 0.00577; TOPMed 0.00635.

Submission:

GeneDx
Classification: Likely benign. Last evaluated: 2022-02-08. Review status: criteria provided, single submitter. Criteria: GeneDx Variant Classification Process June 2021. Collection method: clinical testing. Allele origin: germline. Affected: yes.
Comment: See Variant Classification Assertion Criteria.